The following is an entry in ClinVar:

NM_006033.4(LIPG):c.769G>A (p.Val257Ile)

Gene: LIPG (lipase G, endothelial type; plus strand). Cytogenetic location: 18q21.1.
Variant type: single nucleotide variant.
Coding change: c.769G>A on transcript NM_006033.4 (MANE Select); coding-DNA position 769, G replaced by A.
Protein change: p.Val257Ile; replaces valine 257 with isoleucine.
Molecular consequence: missense variant. On other transcripts: intron variant (1).
Genome position (GRCh38, 1-based): chr18:49,575,566, G>A. VCF-style: chr18-49575566-G-A. GRCh37 (hg19) VCF-style: chr18-47101936-G-A.
Other names: c.769G>A (NM_006033.2); c.572-5849G>A (NM_001308006.2); short protein forms V257I.
Identifiers: ClinVar variation 3007602 (VCV003007602.4), dbSNP rs756583817, ClinGen allele CA8959199.

ClinVar aggregate classification (germline): Uncertain significance. Review status: criteria provided, multiple submitters, no conflicts (2 of 4 stars). 2 submissions from 2 submitters: Uncertain significance (2). Last evaluated 2024-11-28.

Allele frequency attached by ClinVar (database versions not stated): ExAC 0.00001; gnomAD exomes 0.00001; TOPMed 0.00003; gnomAD 0.00004.

Submissions (2):

Ambry Genetics
Classification: Uncertain significance. Last evaluated: 2024-11-28. Review status: criteria provided, single submitter. Criteria: Ambry Variant Classification Scheme 2023. Collection method: clinical testing. Allele origin: germline.

Labcorp Genetics (formerly Invitae), Labcorp
Classification: Uncertain significance. Last evaluated: 2023-11-01. Review status: criteria provided, single submitter. Criteria: Invitae Variant Classification Sherloc (09022015). Collection method: clinical testing. Allele origin: germline.
Comment: This sequence change replaces valine, which is neutral and non-polar, with isoleucine, which is neutral and non-polar, at codon 257 of the LIPG protein (p.Val257Ile). This variant is present in population databases (rs756583817, gnomAD 0.002%). This variant has not been reported in the literature in individuals affected with LIPG-related conditions. Algorithms developed to predict the effect of missense changes on protein structure and function output the following: SIFT: "Not Available"; PolyPhen-2: "Benign"; Align-GVGD: "Not Available". The isoleucine amino acid residue is found in multiple mammalian species, which suggests that this missense change does not adversely affect protein function. In summary, the available evidence is currently insufficient to determine the role of this variant in disease. Therefore, it has been classified as a Variant of Uncertain Significance.